The following is an entry in ClinVar:

ClinVar aggregate classification (germline): Likely benign. Review status: criteria provided, multiple submitters, no conflicts (2 of 4 stars). 3 submissions from 3 submitters: Likely benign (2). 1 of the submissions does not count toward it. Last evaluated 2024-02-02.

Conditions:
ARHGEF1-related disorder. Also called: ARHGEF1-related condition.

Allele frequency attached by ClinVar (database versions not stated): ExAC 0.00002; TOPMed 0.00003; gnomAD 0.00005; ESP Exome Variant Server 0.00008.
gnomAD v4.1: 27 of 1,613,990 alleles (0.0017%); highest among the groups gnomAD compares: East Asian, 0.0067%; no homozygotes.

Submissions (3):

Blueprint Genetics
Classification: Likely benign. Last evaluated: 2024-02-02. Review status: criteria provided, single submitter. Criteria: ACMG Guidelines, 2015. Collection method: clinical testing. Allele origin: germline.

Labcorp Genetics (formerly Invitae), Labcorp
Classification: Likely benign. Last evaluated: 2022-12-03. Review status: criteria provided, single submitter. Criteria: Invitae Variant Classification Sherloc (09022015). Collection method: clinical testing. Allele origin: germline.

PreventionGenetics, part of Exact Sciences
Classification: Likely benign for ARHGEF1-related condition. Last evaluated: 2019-12-16. Review status: no assertion criteria provided. Collection method: clinical testing. Allele origin: germline. Not counted in ClinVar's aggregate classification.
Comment: This variant is classified as likely benign based on ACMG/AMP sequence variant interpretation guidelines (Richards et al. 2015 PMID: 25741868, with internal and published modifications).

NM_004706.4(ARHGEF1):c.2370C>T (p.Asn790=)

Gene: ARHGEF1 (Rho guanine nucleotide exchange factor 1; plus strand). Cytogenetic location: 19q13.2.
Variant type: single nucleotide variant.
Coding change: c.2370C>T on transcript NM_004706.4 (MANE Select); coding-DNA position 2370, C replaced by T.
Protein change: p.Asn790=; no amino-acid change (asparagine 790 retained).
Molecular consequence: synonymous variant. On other transcripts: non-coding transcript variant (2).
Genome position (GRCh38, 1-based): chr19:41,905,793, C>T. VCF-style: chr19-41905793-C-T. GRCh37 (hg19) VCF-style: chr19-42409945-C-T.
Other names: c.2538C>T, p.Asn846= (NM_001396000.1); c.2271C>T, p.Asn757= (NM_001396002.1, NM_001396004.1, NM_198977.2); c.2370C>T, p.Asn790= (NM_001396003.1, NM_001396006.1); c.2415C>T, p.Asn805= (NM_199002.2); c.2415C>T (NM_199002.1).
Identifiers: ClinVar variation 2995569 (VCV002995569.6), dbSNP rs376174015, ClinGen allele CA9466692.
Genomic context (GRCh38, chr19:41,905,793, plus strand): 5'-GGGTCACCCAGCACTTCCTCCCCTCAGCACCCGAGAACCCCTCCTCAGCAGCTCTGAGAA[C>T]GGCAATGGTGGCCGAGAGACGTCTCCAGCTGATGGTGAGACCAGAGGGATGCTGGGTGAG-3'
Protein context (NP_004697.2, residues 780-800): TREPLLSSSE[Asn790=]GNGGRETSPA